The following is an entry in ClinVar:

ClinVar aggregate classification (germline): Conflicting classifications of pathogenicity. Review status: criteria provided, conflicting classifications (1 of 4 stars). 3 submissions from 3 submitters: Uncertain significance (2); Likely benign (1). Last evaluated 2025-01-17.

Conditions:
Hereditary breast ovarian cancer syndrome. Also called: Hereditary breast and ovarian cancer syndrome (HBOC); Hereditary breast and ovarian cancer syndrome; Breast and ovarian cancer; Hereditary breast and ovarian cancer; Hereditary breast and/or ovarian cancer syndrome; BRCA1- and BRCA2-Associated Hereditary Breast and Ovarian Cancer. Identifiers: Orphanet 145, MedGen C0677776, MeSH D061325, MONDO:0003582. Disease mechanism: loss of function.
Hereditary cancer-predisposing syndrome. Also called: Neoplastic Syndromes, Hereditary; Tumor predisposition; Hereditary neoplastic syndrome; Hereditary Cancer Syndrome. Identifiers: Orphanet 140162, MedGen C0027672, MeSH D009386, MONDO:0015356.

Submissions (3):

Ambry Genetics
Classification: Uncertain significance for Hereditary cancer-predisposing syndrome. Last evaluated: 2025-01-17. Review status: criteria provided, single submitter. Criteria: Ambry Variant Classification Scheme 2023. Collection method: clinical testing. Allele origin: germline.
Comment: The p.S1971F variant (also known as c.5912C>T), located in coding exon 10 of the BRCA2 gene, results from a C to T substitution at nucleotide position 5912. The serine at codon 1971 is replaced by phenylalanine, an amino acid with highly dissimilar properties. This amino acid position is not well conserved in available vertebrate species. In addition, this alteration is predicted to be tolerated by in silico analysis. Since supporting evidence is limited at this time, the clinical significance of this alteration remains unclear.

University of Washington Department of Laboratory Medicine, University of Washington
Classification: Likely benign for Hereditary cancer-predisposing syndrome. Last evaluated: 2023-03-23. Review status: criteria provided, single submitter. Criteria: Dines et al. (Genet Med. 2020). Collection method: curation. Allele origin: germline.
Comment: Missense variant in a coldspot region where missense variants are very unlikely to be pathogenic (PMID:31911673).

BRCA2 exon 11 coldspot. Reclassification based on statistical prior probability.

Labcorp Genetics (formerly Invitae), Labcorp
Classification: Uncertain significance for Hereditary breast ovarian cancer syndrome. Last evaluated: 2018-09-04. Review status: criteria provided, single submitter. Criteria: Invitae Variant Classification Sherloc (09022015). Collection method: clinical testing. Allele origin: germline.
Comment: This variant has not been reported in the literature in individuals with BRCA2-related disease. This sequence change replaces serine with phenylalanine at codon 1971 of the BRCA2 protein (p.Ser1971Phe). The serine residue is weakly conserved and there is a large physicochemical difference between serine and phenylalanine. This variant is not present in population databases (ExAC no frequency). Algorithms developed to predict the effect of missense changes on protein structure and function output the following: SIFT: "Tolerated"; PolyPhen-2: "Benign"; Align-GVGD: "Class C0". The phenylalanine amino acid residue is found in multiple mammalian species, suggesting that this missense change does not adversely affect protein function. These predictions have not been confirmed by published functional studies and their clinical significance is uncertain. In summary, the available evidence is currently insufficient to determine the role of this variant in disease. Therefore, it has been classified as a Variant of Uncertain Significance.

NM_000059.4(BRCA2):c.5912C>T (p.Ser1971Phe)

Gene: BRCA2 (BRCA2 DNA repair associated; plus strand). Cytogenetic location: 13q13.1.
Variant type: single nucleotide variant.
Coding change: c.5912C>T on transcript NM_000059.4 (MANE Select); coding-DNA position 5912, C replaced by T.
Protein change: p.Ser1971Phe; replaces serine 1971 with phenylalanine.
Molecular consequence: missense variant.
Genome position (GRCh38, 1-based): chr13:32,340,267, C>T. VCF-style: chr13-32340267-C-T. GRCh37 (hg19) VCF-style: chr13-32914404-C-T.
Other names: short protein forms S1971F.
Identifiers: ClinVar variation 662063 (VCV000662063.13), dbSNP rs1593906913, ClinGen allele CA387787516.